The following is an entry in ClinVar:

ClinVar aggregate classification (germline): Uncertain significance (1 of 4 stars; one submission).

Conditions:
Cardiovascular phenotype. Identifiers: MedGen CN230736.

Allele frequency attached by ClinVar (database versions not stated): ExAC 0.00001.

Submission:

Ambry Genetics
Classification: Uncertain significance for Cardiovascular phenotype. Last evaluated: 2022-01-12. Review status: criteria provided, single submitter. Criteria: Ambry Variant Classification Scheme 2023. Collection method: clinical testing. Allele origin: germline.
Comment: The p.T2555K variant (also known as c.7664C>A), located in coding exon 38 of the ANK2 gene, results from a C to A substitution at nucleotide position 7664. The threonine at codon 2555 is replaced by lysine, an amino acid with similar properties. This amino acid position is conserved. In addition, this alteration is predicted to be tolerated by in silico analysis. Since supporting evidence is limited at this time, the clinical significance of this alteration remains unclear.

NM_001148.6(ANK2):c.7664C>A (p.Thr2555Lys)

Genes: ANK2 (ankyrin 2; plus strand), LOC126807137 (CDK7 strongly-dependent group 2 enhancer GRCh37_chr4:114276560-114277759; plus strand). Cytogenetic location: 4q26.
Variant type: single nucleotide variant.
Coding change: c.7664C>A on transcript NM_001148.6 (MANE Select); coding-DNA position 7664, C replaced by A.
Protein change: p.Thr2555Lys; replaces threonine 2555 with lysine.
Molecular consequence: missense variant. On other transcripts: intron variant (68).
Genome position (GRCh38, 1-based): chr4:113,356,282, C>A. VCF-style: chr4-113356282-C-A. GRCh37 (hg19) VCF-style: chr4-114277438-C-A.
Other names: c.7430C>A, p.Thr2477Lys (NM_001386142.1); c.4064C>A, p.Thr1355Lys (NM_001386166.1); c.7805C>A, p.Thr2602Lys (NM_001386174.1); c.7781C>A, p.Thr2594Lys (NM_001386175.1); c.4412-4541C>A (NM_001386186.2, NM_001386148.2); c.4214-4541C>A (NM_001354269.3); c.4292-4541C>A (NM_001386187.2); c.4253-4541C>A (NM_001386147.1); and 35 more; short protein forms T2594K, T2555K, T1355K, T2477K, T2602K.
Identifiers: ClinVar variation 1760045 (VCV001760045.2), dbSNP rs772999462, ClinGen allele CA3051633.